The following is an entry in ClinVar:

ClinVar aggregate classification (germline): Uncertain significance (1 of 4 stars; one submission).

Conditions:
Hypertrophic cardiomyopathy. Also called: HYPERTROPHIC MYOCARDIOPATHY. Identifiers: Orphanet 217569, MedGen C0007194, MeSH D002312, MONDO:0005045, HP:0001639.

Submission:

Labcorp Genetics (formerly Invitae), Labcorp
Classification: Uncertain significance for Hypertrophic cardiomyopathy. Last evaluated: 2024-02-25. Review status: criteria provided, single submitter. Criteria: Invitae Variant Classification Sherloc (09022015). Collection method: clinical testing. Allele origin: germline.
Comment: This variant, c.214_231dup, results in the insertion of 6 amino acid(s) of the MYH7 protein (p.Lys72_Met77dup), but otherwise preserves the integrity of the reading frame. This variant is not present in population databases (gnomAD no frequency). This variant has not been reported in the literature in individuals affected with MYH7-related conditions. In summary, the available evidence is currently insufficient to determine the role of this variant in disease. Therefore, it has been classified as a Variant of Uncertain Significance.

NM_000257.4(MYH7):c.214_231dup (p.Met77_Gln78insLysGluAspGlnValMet)

Gene: MYH7 (myosin heavy chain 7; minus strand). Cytogenetic location: 14q11.2.
Variant type: Duplication.
Coding change: c.214_231dup on transcript NM_000257.4 (MANE Select); coding-DNA positions 214 to 231, 18 bases duplicated (AAGGAGGACCAGGTGATG).
Protein change: p.Met77_Gln78insLysGluAspGlnValMet.
Genome position (GRCh38, 1-based): chr14:23,433,198-23,433,215, CATCACCTGGTCCTCCTT duplicated on the plus strand (AAGGAGGACCAGGTGATG on the coding strand, the reverse complement: MYH7 is on the minus strand); duplicating any 18 consecutive bases within chr14:23,433,198-23,433,217 gives the same sequence; the c. name uses the placement nearest the transcript's 3' end. VCF-style (leftmost placement, unchanged base first): chr14-23433197-G-GCATCACCTGGTCCTCCTT. GRCh37 (hg19) VCF-style: chr14-23902406-G-GCATCACCTGGTCCTCCTT.
Other names: c.214_231dup, p.Met77_Gln78insLysGluAspGlnValMet (NM_001407004.1).
Identifiers: ClinVar variation 3643176 (VCV003643176.2).
Genomic context (GRCh38, chr14:23,433,197, plus strand): 5'-CATGCAGGAAGGTCAGCATGGCCATGTCCTCGATTTTGTCGAACTTGGGTGGGTTCTGCT[G>GCATCACCTGGTCCTCCTT]CATCACCTGGTCCTCCTTCACGGTCACTGTCTGCAAGAGCCCCCACCCAAGCCCTCCTGT-3'